The following is an entry in ClinVar:

ClinVar aggregate classification (germline): Pathogenic (1 of 4 stars; one submission).

gnomAD v4.1: 15 of 1,614,080 alleles (0.00093%); highest among the groups gnomAD compares: African/African-American, 0.0013%; no homozygotes.

Submission:

Labcorp Genetics (formerly Invitae), Labcorp
Classification: Pathogenic. Last evaluated: 2026-01-11. Review status: criteria provided, single submitter. Criteria: Invitae Variant Classification Sherloc (09022015). Collection method: clinical testing. Allele origin: germline.
Comment: This sequence change creates a premature translational stop signal (p.Ser449*) in the C8A gene. It is expected to result in an absent or disrupted protein product. Loss-of-function variants in C8A are known to be pathogenic (PMID: 9759902). This variant is not present in population databases (gnomAD no frequency). This variant has not been reported in the literature in individuals affected with C8A-related conditions. For these reasons, this variant has been classified as Pathogenic.

Literature cited by the submitters: PubMed 9759902.

NM_000562.3(C8A):c.1346C>G (p.Ser449Ter)

Gene: C8A (complement C8 alpha chain; plus strand). Cytogenetic location: 1p32.2.
Variant type: single nucleotide variant.
Coding change: c.1346C>G on transcript NM_000562.3 (MANE Select); coding-DNA position 1346, C replaced by G.
Protein change: p.Ser449Ter; replaces serine 449 with a stop codon.
Molecular consequence: nonsense.
Genome position (GRCh38, 1-based): chr1:56,908,079, C>G. VCF-style: chr1-56908079-C-G. GRCh37 (hg19) VCF-style: chr1-57373752-C-G.
Other names: short protein forms S449*.
Identifiers: ClinVar variation 4696324 (VCV004696324.1).